The following is an entry in ClinVar:

ClinVar aggregate classification (germline): Uncertain significance (1 of 4 stars; one submission).

Conditions:
X-linked intellectual disability, Cantagrel type (XLID98). Also called: INTELLECTUAL DEVELOPMENTAL DISORDER, X-LINKED 98. Identifiers: Orphanet 85277, MedGen C3806730, MONDO:0010483, OMIM 300912.

Allele frequency attached by ClinVar (database versions not stated): gnomAD exomes below 0.00001; ExAC 0.00001.
gnomAD v4.1: 1 of 1,210,598 alleles (0.000083%); highest among the groups gnomAD compares: Non-Finnish European, 0.00011%; no homozygotes.

Submission:

Breda Genetics srl
Classification: Uncertain significance for X-linked intellectual disability, Cantagrel type. Last evaluated: 2022-08-09. Review status: criteria provided, single submitter. Criteria: ACMG Guidelines, 2015. Collection method: clinical testing. Allele origin: maternal. Inheritance: X-linked dominant inheritance. Affected: yes. Observed: 1 variant allele, 1 heterozygote.
Comment: The variant in c.526A>T (p.Thr176Ser) in NEXMIF gene is reported with an estimated allele frequency of 0.000005463 in gnomAD genomes with no homozygous individuals reported. The nucleotide position is moderately conserved across 35 mammalian species (GERP RS: 2.13). In silico analysis mostly indicates that the variant might be damaging.

NM_001008537.3(NEXMIF):c.526A>T (p.Thr176Ser)

Gene: NEXMIF (neurite extension and migration factor; minus strand). Cytogenetic location: Xq13.3.
Variant type: single nucleotide variant.
Coding change: c.526A>T on transcript NM_001008537.3 (MANE Select); coding-DNA position 526, A replaced by T.
Protein change: p.Thr176Ser; replaces threonine 176 with serine.
Molecular consequence: missense variant.
Genome position (GRCh38, 1-based): chrX:74,744,031, T>A on the plus strand (A>T on the coding strand, the complement: NEXMIF is on the minus strand). VCF-style: chrX-74744031-T-A. GRCh37 (hg19) VCF-style: chrX-73963866-T-A.
Other names: short protein forms T176S.
Identifiers: ClinVar variation 1712510 (VCV001712510.1), dbSNP rs747231678, ClinGen allele CA10455203.